The following is an entry in ClinVar:

ClinVar aggregate classification (germline): Likely pathogenic (1 of 4 stars; one submission).

Conditions:
Hereditary angioedema type 1 (HAE1). Identifiers: Orphanet 100050, Orphanet 100051, Orphanet 91378, MedGen C2717906, MONDO:0015053, OMIM 106100.

Submission:

DNA-diagnostics Laboratory, Research Centre For Medical Genetics
Classification: Likely pathogenic for Hereditary angioedema type 1. Last evaluated: 2024-08-15. Review status: criteria provided, single submitter. Criteria: ACMG Guidelines, 2015. Collection method: research. Allele origin: germline. Inheritance: Autosomal dominant inheritance. Affected: yes. Observed: 1 heterozygote.
Comment: The pathogenic or likely pathogenic SERPING1 gene variants are detected in >90% of the HAE1/2 families and in >80% of the total HAE families (e.g., DOI: 10.1016/j.molimm.2008.05.007, 10.1159/2F000138883, 10.1016/j.molimm.2011.07.010). The heterozygous c.820A>G (p.Ile274Val) variant in SERPING1 has been reported in 3 HAE1/2 family cases and 6 HAE1 patients with an unknown or without family HAE history (DOI: 10.1067/mai.2000.104780, 10.1016/j.molimm.2008.05.007, 10.1111/ahg.12052, 10.1002/humu.23917, 10.1111/all.15034). Extensive and comparative studies of 6 functional parameters, including secretion potential, intra-cellular solubility, protease complex formation, and trans-acting impact on normal C1INH have indicated that the c.820A>G variant exhibits WT-like behavior; although it cannot exclude the notion that this variants possess alternative functional defects that could not be identified by using experimental design applied (DOI: 10.1016/j.jaci.2023.04.023). Such in silico algorithms as BayesDel, MutPred, REVEL support a deleterious effect of this variant with Supporting evidence of pathogenicity, when choosing at least two identical assessments and using the threshold ranges from ClinGen recommendations (DOI: 10.1016/j.ajhg.2022.10.013). In summary, the c.820A>G variant in SERPING1 meets ACMG/ClinGen SVI guidance criteria to be classified as likely pathogenic: PP4_Str, PS4_Mod, PM2_Sup, PP2, PP3

Literature cited by the submitters: DOI 10.1067/mai.2000.104780; DOI 10.1016/j.molimm.2008.05.007; DOI 10.1111/ahg.12052; DOI 10.1002/humu.23917; DOI 10.1111/all.15034; DOI 10.1016/j.jaci.2023.04.023.

NM_000062.3(SERPING1):c.820A>G (p.Ile274Val)

Gene: SERPING1 (serpin family G member 1; plus strand). Cytogenetic location: 11q12.1.
Variant type: single nucleotide variant.
Coding change: c.820A>G on transcript NM_000062.3 (MANE Select); coding-DNA position 820, A replaced by G.
Protein change: p.Ile274Val; replaces isoleucine 274 with valine.
Molecular consequence: missense variant.
Genome position (GRCh38, 1-based): chr11:57,606,144, A>G. VCF-style: chr11-57606144-A-G. GRCh37 (hg19) VCF-style: chr11-57373617-A-G.
Other names: c.820A>G, p.Ile274Val (NM_001032295.2); short protein forms I274V.
Identifiers: ClinVar variation 3336841 (VCV003336841.2).